The following is an entry in ClinVar:

ClinVar aggregate classification (germline): Uncertain significance (1 of 4 stars; one submission).

gnomAD v4.1: 6 of 1,614,116 alleles (0.00037%); highest among the groups gnomAD compares: Admixed American, 0.0083%; no homozygotes.

Submission:

Labcorp Genetics (formerly Invitae), Labcorp
Classification: Uncertain significance. Last evaluated: 2024-04-09. Review status: criteria provided, single submitter. Criteria: Invitae Variant Classification Sherloc (09022015). Collection method: clinical testing. Allele origin: germline.
Comment: This sequence change replaces glutamic acid, which is acidic and polar, with aspartic acid, which is acidic and polar, at codon 1676 of the MYH3 protein (p.Glu1676Asp). This variant is present in population databases (no rsID available, gnomAD 0.003%). This variant has not been reported in the literature in individuals affected with MYH3-related conditions. ClinVar contains an entry for this variant (Variation ID: 2137902). Advanced modeling of protein sequence and biophysical properties (such as structural, functional, and spatial information, amino acid conservation, physicochemical variation, residue mobility, and thermodynamic stability) performed at Invitae indicates that this missense variant is not expected to disrupt MYH3 protein function with a negative predictive value of 95%. In summary, the available evidence is currently insufficient to determine the role of this variant in disease. Therefore, it has been classified as a Variant of Uncertain Significance.

NM_002470.4(MYH3):c.5028G>T (p.Glu1676Asp)

Gene: MYH3 (myosin heavy chain 3; minus strand). Cytogenetic location: 17p13.1.
Variant type: single nucleotide variant.
Coding change: c.5028G>T on transcript NM_002470.4 (MANE Select); coding-DNA position 5028, G replaced by T.
Protein change: p.Glu1676Asp; replaces glutamic acid 1676 with aspartic acid.
Molecular consequence: missense variant.
Genome position (GRCh38, 1-based): chr17:10,631,945, C>A on the plus strand (G>T on the coding strand, the complement: MYH3 is on the minus strand). VCF-style: chr17-10631945-C-A. GRCh37 (hg19) VCF-style: chr17-10535262-C-A.
Other names: short protein forms E1676D.
Identifiers: ClinVar variation 2137902 (VCV002137902.4), dbSNP rs1176318341, ClinGen allele CA398135527.